The following is an entry in ClinVar:

ClinVar aggregate classification (germline): Uncertain significance (1 of 4 stars; one submission).

gnomAD v4.1: 4 of 1,576,472 alleles (0.00025%); highest among the groups gnomAD compares: Non-Finnish European, 0.00035%; no homozygotes.

Submission:

GeneDx
Classification: Uncertain significance. Last evaluated: 2022-05-10. Review status: criteria provided, single submitter. Criteria: GeneDx Variant Classification Process June 2021. Collection method: clinical testing. Allele origin: germline. Affected: yes.
Comment: Not observed at significant frequency in large population cohorts (gnomAD); In silico analysis supports that this missense variant has a deleterious effect on protein structure/function; Has not been previously published as pathogenic or benign to our knowledge

NM_001379500.1(COL18A1):c.3062C>G (p.Pro1021Arg)

Genes: COL18A1 (collagen type XVIII alpha 1 chain; plus strand), SLC19A1 (solute carrier family 19 member 1; minus strand). Cytogenetic location: 21q22.3.
Variant type: single nucleotide variant.
Coding change: c.3062C>G on transcript NM_001379500.1 (MANE Select); coding-DNA position 3062, C replaced by G.
Protein change: p.Pro1021Arg; replaces proline 1021 with arginine.
Molecular consequence: missense variant.
Genome position (GRCh38, 1-based): chr21:45,505,406, C>G. VCF-style: chr21-45505406-C-G. GRCh37 (hg19) VCF-style: chr21-46925320-C-G.
Other names: NM_130445.2:c.3053C>G; c.3593C>G, p.Pro1198Arg (NM_030582.4); c.4298C>G, p.Pro1433Arg (NM_130444.3); short protein forms P1021R, P1198R, P1433R.
Identifiers: ClinVar variation 1723670 (VCV001723670.2), dbSNP rs773571358, ClinGen allele CA10067660.